The following is an entry in ClinVar:

NM_002471.4(MYH6):c.4700T>G (p.Phe1567Cys)

Genes: MYH6 (myosin heavy chain 6; minus strand), LOC126861896 (BRD4-independent group 4 enhancer GRCh37_chr14:23854904-23856103; plus strand). Cytogenetic location: 14q11.2.
Variant type: single nucleotide variant.
Coding change: c.4700T>G on transcript NM_002471.4 (MANE Select); coding-DNA position 4700, T replaced by G.
Protein change: p.Phe1567Cys; replaces phenylalanine 1567 with cysteine.
Molecular consequence: missense variant.
Genome position (GRCh38, 1-based): chr14:23,386,574, A>C on the plus strand (T>G on the coding strand, the complement: MYH6 is on the minus strand). VCF-style: chr14-23386574-A-C. GRCh37 (hg19) VCF-style: chr14-23855783-A-C.
Other names: short protein forms F1567C.
Identifiers: ClinVar variation 978298 (VCV000978298.7), dbSNP rs750138024, ClinGen allele CA7114657.

ClinVar aggregate classification (germline): Uncertain significance. Review status: criteria provided, multiple submitters, no conflicts (2 of 4 stars). 3 submissions from 3 submitters: Uncertain significance (3). Last evaluated 2023-11-02.

Conditions:
Cardiovascular phenotype. Identifiers: MedGen CN230736.
Hypertrophic cardiomyopathy 1 (CMH1). Also called: Familial hypertrophic cardiomyopathy 1; MYH7-Related Familial Hypertrophic Cardiomyopathy. Identifiers: MedGen C3495498, MONDO:0008647, OMIM 192600.
Hypertrophic cardiomyopathy 14. Identifiers: MedGen C2750467, MONDO:0013197, OMIM 613251.

Allele frequency attached by ClinVar (database versions not stated): gnomAD exomes below 0.00001 and 0.00001; TOPMed below 0.00001; ExAC 0.00001; gnomAD 0.00001.
gnomAD v4.1: 6 of 1,612,956 alleles (0.00037%); highest among the groups gnomAD compares: Non-Finnish European, 0.00051%; no homozygotes.

Submissions (3):

Labcorp Genetics (formerly Invitae), Labcorp
Classification: Uncertain significance for Hypertrophic cardiomyopathy 14. Last evaluated: 2023-11-02. Review status: criteria provided, single submitter. Criteria: Invitae Variant Classification Sherloc (09022015). Collection method: clinical testing. Allele origin: germline.
Comment: This sequence change replaces phenylalanine, which is neutral and non-polar, with cysteine, which is neutral and slightly polar, at codon 1567 of the MYH6 protein (p.Phe1567Cys). This variant is present in population databases (rs750138024, gnomAD 0.0009%). This missense change has been observed in individual(s) with dilated cardiomyopathy (PMID: 28416588). ClinVar contains an entry for this variant (Variation ID: 978298). Advanced modeling of protein sequence and biophysical properties (such as structural, functional, and spatial information, amino acid conservation, physicochemical variation, residue mobility, and thermodynamic stability) performed at Invitae indicates that this missense variant is not expected to disrupt MYH6 protein function with a negative predictive value of 80%. In summary, the available evidence is currently insufficient to determine the role of this variant in disease. Therefore, it has been classified as a Variant of Uncertain Significance.

Ambry Genetics
Classification: Uncertain significance for Cardiovascular phenotype. Last evaluated: 2022-10-14. Review status: criteria provided, single submitter. Criteria: Ambry Variant Classification Scheme 2023. Collection method: clinical testing. Allele origin: germline.
Comment: The p.F1567C variant (also known as c.4700T>G), located in coding exon 31 of the MYH6 gene, results from a T to G substitution at nucleotide position 4700. The phenylalanine at codon 1567 is replaced by cysteine, an amino acid with highly dissimilar properties. This variant has been detected in a dilated cardiomyopathy cohort; however, details were limited (Dal Ferro M et al. Heart, 2017 11;103:1704-1710). This amino acid position is well conserved in available vertebrate species. In addition, the in silico prediction for this alteration is inconclusive. Since supporting evidence is limited at this time, the clinical significance of this alteration remains unclear.

Molecular Diagnostic Laboratory for Inherited Cardiovascular Disease, Montreal Heart Institute
Classification: Uncertain significance for Hypertrophic cardiomyopathy 1. Last evaluated: 2020-02-29. Review status: criteria provided, single submitter. Criteria: ACMG Guidelines, 2015. Collection method: clinical testing. Allele origin: germline. Affected: yes.

Literature cited by the submitters: PubMed 28416588 (cited by Labcorp Genetics (formerly Invitae), Labcorp and Ambry Genetics).